The following is an entry in ClinVar:

ClinVar aggregate classification (germline): Benign. Review status: criteria provided, multiple submitters, no conflicts (2 of 4 stars). 10 submissions from 10 submitters: Benign (8). 2 of the submissions do not count toward it. Last evaluated 2026-02-02.

Conditions:
Osteogenesis imperfecta (OI). Identifiers: Orphanet 666, MedGen C0029434, MeSH D010013, MONDO:0019019.

Allele frequency attached by ClinVar (database versions not stated): ESP Exome Variant Server 0.00462; gnomAD 0.00826 and 0.00910; gnomAD exomes 0.00948 and 0.01947; TOPMed 0.01414; ExAC 0.01743; 1000 Genomes Project 30x 0.01858; 1000 Genomes Project 0.01997.
gnomAD v4.1: 15,355 of 1,614,176 alleles (0.95%); highest among the groups gnomAD compares: East Asian, 7.7%; 295 homozygotes.

Submissions (10):

Labcorp Genetics (formerly Invitae), Labcorp
Classification: Benign. Last evaluated: 2026-02-02. Review status: criteria provided, single submitter. Criteria: Invitae Variant Classification Sherloc (09022015). Collection method: clinical testing. Allele origin: germline.

Mayo Clinic Laboratories, Mayo Clinic
Classification: Benign. Last evaluated: 2024-12-17. Review status: criteria provided, single submitter. Criteria: ACMG Guidelines, 2015. Collection method: clinical testing. Allele origin: germline. Observed: 11 variant alleles.
Comment: BA1, BS2

Blueprint Genetics
Classification: Benign. Last evaluated: 2024-11-27. Review status: criteria provided, single submitter. Criteria: ACMG Guidelines, 2015. Collection method: clinical testing. Allele origin: germline.

Genome Diagnostics Laboratory, The Hospital for Sick Children
Classification: Benign for Osteogenesis imperfecta. Last evaluated: 2022-07-14. Review status: criteria provided, single submitter. Criteria: ACMG Guidelines, 2015. Collection method: clinical testing. Allele origin: germline.

GeneDx
Classification: Benign. Last evaluated: 2015-03-03. Review status: criteria provided, single submitter. Criteria: GeneDx Variant Classification Process June 2021. Collection method: clinical testing. Allele origin: germline. Affected: yes.
Comment: This variant is associated with the following publications: (PMID: 31169861, 30513533, 28378289, 16115379, 21528003, 17955262, 22511589)

Eurofins Ntd Llc (ga)
Classification: Benign. Last evaluated: 2014-11-06. Review status: criteria provided, single submitter. Criteria: EGL Classification Definitions 2015. Collection method: clinical testing. Allele origin: germline. Observed: 3 variant alleles, 3 heterozygotes.

Breakthrough Genomics
Classification: Benign. Review status: criteria provided, single submitter. Criteria: ACMG Guidelines, 2015. Collection method: not provided. Allele origin: germline. Inheritance: Autosomal recessive inheritance. Affected: yes.

PreventionGenetics, part of Exact Sciences
Classification: Benign. Review status: criteria provided, single submitter. Criteria: ACMG Guidelines, 2015. Collection method: clinical testing. Allele origin: germline.

Genome Diagnostics Laboratory, Amsterdam University Medical Center
Classification: Likely benign. Review status: no assertion criteria provided. Collection method: clinical testing. Allele origin: germline. Affected: yes. Study: VKGL Data-share Consensus. Not counted in ClinVar's aggregate classification.

Laboratory of Diagnostic Genome Analysis, Leiden University Medical Center (LUMC)
Classification: Likely benign. Review status: no assertion criteria provided. Collection method: clinical testing. Allele origin: germline. Affected: yes. Study: VKGL Data-share Consensus. Not counted in ClinVar's aggregate classification.

NM_002335.4(LRP5):c.266A>G (p.Gln89Arg)

Gene: LRP5 (LDL receptor related protein 5; plus strand). Cytogenetic location: 11q13.2.
Variant type: single nucleotide variant.
Coding change: c.266A>G on transcript NM_002335.4 (MANE Select); coding-DNA position 266, A replaced by G.
Protein change: p.Gln89Arg; replaces glutamine 89 with arginine.
Molecular consequence: missense variant. On other transcripts: 5 prime UTR variant (1).
Genome position (GRCh38, 1-based): chr11:68,348,021, A>G. VCF-style: chr11-68348021-A-G. GRCh37 (hg19) VCF-style: chr11-68115489-A-G.
Other names: c.-1500A>G (NM_001291902.2); short protein forms Q89R.
Identifiers: ClinVar variation 195166 (VCV000195166.25), dbSNP rs41494349, ClinGen allele CA201608.